The following is an entry in ClinVar:

NM_004369.4(COL6A3):c.3059C>G (p.Ala1020Gly)

Gene: COL6A3 (collagen type VI alpha 3 chain; minus strand). Cytogenetic location: 2q37.3.
Variant type: single nucleotide variant.
Coding change: c.3059C>G on transcript NM_004369.4 (MANE Select); coding-DNA position 3059, C replaced by G.
Protein change: p.Ala1020Gly; replaces alanine 1020 with glycine.
Molecular consequence: missense variant.
Genome position (GRCh38, 1-based): chr2:237,376,783, G>C on the plus strand (C>G on the coding strand, the complement: COL6A3 is on the minus strand). VCF-style: chr2-237376783-G-C. GRCh37 (hg19) VCF-style: chr2-238285426-G-C.
Other names: c.1838C>G, p.Ala613Gly (NM_057164.5); c.2441C>G, p.Ala814Gly (NM_057165.5, NM_057167.4); c.1238C>G, p.Ala413Gly (NM_057166.5); short protein forms A1020G, A413G, A613G, A814G.
Identifiers: ClinVar variation 1327154 (VCV001327154.4), dbSNP rs779382813, ClinGen allele CA2189265.

ClinVar aggregate classification (germline): Uncertain significance. Review status: criteria provided, multiple submitters, no conflicts (2 of 4 stars). 2 submissions from 2 submitters: Uncertain significance (2). Last evaluated 2022-06-16.

Allele frequency attached by ClinVar (database versions not stated): gnomAD exomes below 0.00001; ExAC 0.00001.
gnomAD v4.1: 1 of 1,614,168 alleles (0.000062%); highest among the groups gnomAD compares: Non-Finnish European, 0.000085%; no homozygotes.

Submissions (2):

Revvity Omics, Revvity
Classification: Uncertain significance. Last evaluated: 2022-06-16. Review status: criteria provided, single submitter. Criteria: ACMG Guidelines, 2015. Collection method: clinical testing. Allele origin: germline.

GeneDx
Classification: Uncertain significance. Last evaluated: 2021-06-04. Review status: criteria provided, single submitter. Criteria: GeneDx Variant Classification Process June 2021. Collection method: clinical testing. Allele origin: germline. Affected: yes.
Comment: Not observed at significant frequency in large population cohorts (Lek et al., 2016); In silico analysis supports that this missense variant does not alter protein structure/function; Has not been previously published as pathogenic or benign to our knowledge; This variant is associated with the following publications: (PMID: 20976770, 27535533)